The following is an entry in ClinVar:

ClinVar aggregate classification (germline): Likely pathogenic (1 of 4 stars; one submission).

Conditions:
Inborn genetic diseases. Identifiers: MedGen C0950123, MeSH D030342.

Submission:

Ambry Genetics
Classification: Likely pathogenic for Inborn genetic diseases. Last evaluated: 2026-03-09. Review status: criteria provided, single submitter. Criteria: Ambry Variant Classification Scheme 2023. Collection method: clinical testing. Allele origin: germline.
Comment: The c.3885_3885+4delAGTAA variant consists of a deletion of 5 nucleotides between positions c.3885 and c.3885+4 and involves the canonical splice donor site after exon 30 (coding exon 29) of the CHD2 gene. Variants that disrupt the canonical splice site are expected to cause aberrant splicing, resulting in an abnormal protein or a transcript that is subject to nonsense-mediated mRNA decay. This variant was not reported in population-based cohorts in the Genome Aggregation Database (gnomAD). This nucleotide position is well conserved in available vertebrate species. In silico splice site analysis predicts that this alteration will weaken the native splice donor site. Based on the available evidence, this alteration is classified as likely pathogenic.

NM_001271.4(CHD2):c.3885_3885+4del

Gene: CHD2 (chromodomain helicase DNA binding protein 2; plus strand). Cytogenetic location: 15q26.1.
Variant type: Deletion.
Coding change: c.3885_3885+4del on transcript NM_001271.4 (MANE Select); coding-DNA position 3885 through 4 bases into the intron after coding-DNA position 3885, 5 bases deleted (AGTAA; older notation c.3885_3885+4delAGTAA).
Molecular consequence: splice donor variant.
Genome position (GRCh38, 1-based): chr15:92,997,403-92,997,407, AGTAA deleted; deleting any 5 consecutive bases within chr15:92,997,401-92,997,407 gives the same sequence; the c. name uses the placement nearest the transcript's 3' end. VCF-style (leftmost placement, unchanged base first): chr15-92997400-CAAAGT-C. GRCh37 (hg19) VCF-style: chr15-93540630-CAAAGT-C.
Identifiers: ClinVar variation 4840924 (VCV004840924.1).
Genomic context (GRCh38, chr15:92,997,400, plus strand): 5'-TGAACATGGCTATGGAAACTGGGAGTTAATTAAAACAGACCCAGAGCTTAAATTAACTGA[CAAAGT>C]AAGTAACCCTACCATGCTAGAGATTTCTAGAAGATTTGTTGTGTAATATTTTTATATCGA-3'